The following is an entry in ClinVar:

NM_002458.3(MUC5B):c.10498A>G (p.Ser3500Gly)

Genes: MUC5B (mucin 5B, oligomeric mucus/gel-forming; plus strand), MUC5B-AS1 (MUC5B antisense RNA 1; minus strand). Cytogenetic location: 11p15.5.
Variant type: single nucleotide variant.
Coding change: c.10498A>G on transcript NM_002458.3 (MANE Select); coding-DNA position 10498, A replaced by G.
Protein change: p.Ser3500Gly; replaces serine 3500 with glycine.
Molecular consequence: missense variant.
Genome position (GRCh38, 1-based): chr11:1,247,378, A>G. VCF-style: chr11-1247378-A-G. GRCh37 (hg19) VCF-style: chr11-1268608-A-G.
Other names: short protein forms S3500G.
Identifiers: ClinVar variation 403162 (VCV000403162.6), dbSNP rs2943527, ClinGen allele CA5807361.
Genomic context (GRCh38, chr11:1,247,378, plus strand): 5'-GGCACCACCCACATCACAGAGCCTTCCACGGTGACTTCCCACACCCCAGCAGCAACCACC[A>G]GTACCACCCAGCACTCGACTCCAGCCCTGTCCAGCCCTCACCCTAGCAGCAGGACCACCG-3'
Protein context (NP_002449.2, residues 3490-3510): VTSHTPAATT[Ser3500Gly]TTQHSTPALS

ClinVar aggregate classification (germline): Benign. Review status: criteria provided, multiple submitters, no conflicts (2 of 4 stars). 3 submissions from 3 submitters: Benign (3). Last evaluated 2018-11-12.

Allele frequency attached by ClinVar (database versions not stated): ESP Exome Variant Server 0.54662; 1000 Genomes Project 0.65515; 1000 Genomes Project 30x 0.65537; ExAC 0.66781; TOPMed 0.67300; gnomAD 0.68027 and 0.68219; gnomAD exomes 0.68672.
gnomAD v4.1: 1,073,483 of 1,554,524 alleles (69%); highest among the groups gnomAD compares: Admixed American, 71%; 380,150 homozygotes.

Submissions (3):

GeneDx
Classification: Benign. Last evaluated: 2018-11-12. Review status: criteria provided, single submitter. Criteria: GeneDx Variant Classification Process June 2021. Collection method: clinical testing. Allele origin: germline. Affected: yes.

Laboratory for Molecular Medicine, Mass General Brigham Personalized Medicine
Classification: Benign. Last evaluated: 2016-03-28. Review status: criteria provided, single submitter. Criteria: LMM Criteria. Collection method: clinical testing. Allele origin: germline.
Comment: Variant identified in a genome or exome case(s) and assessed due to predicted null impact of the variant or pathogenic assertions in the literature or databases. Disclaimer: This variant has not undergone full assessment. The following are preliminary notes: Frequency

Breakthrough Genomics
Classification: Benign. Review status: criteria provided, single submitter. Criteria: ACMG Guidelines, 2015. Collection method: not provided. Allele origin: germline. Inheritance: Autosomal dominant inheritance. Affected: yes.